The following is an entry in ClinVar:

NM_004177.5(STX3):c.590G>T (p.Arg197Leu)

Gene: STX3 (syntaxin 3; plus strand). Cytogenetic location: 11q12.1.
Variant type: single nucleotide variant.
Coding change: c.590G>T on transcript NM_004177.5 (MANE Select); coding-DNA position 590, G replaced by T.
Protein change: p.Arg197Leu; replaces arginine 197 with leucine.
Molecular consequence: missense variant.
Genome position (GRCh38, 1-based): chr11:59,793,429, G>T. VCF-style: chr11-59793429-G-T. GRCh37 (hg19) VCF-style: chr11-59560902-G-T.
Other names: c.590G>T, p.Arg197Leu (NM_001178040.3); c.590G>T (NM_004177.4); short protein forms R197L.
Identifiers: ClinVar variation 1448902 (VCV001448902.7), dbSNP rs368588524, ClinGen allele CA6020939.
Genomic context (GRCh38, chr11:59,793,429, plus strand): 5'-GCCTGTTGTAGATCATTGACTCACAGATTTCCAAGCAAGCCCTCAGTGAGATTGAGGGAC[G>T]ACACAAGGACATTGTGAGGCTGGAGAGCAGCATCAAGGAGCTTCACGACATGTTTATGGA-3'
Protein context (NP_004168.1, residues 187-207): SKQALSEIEG[Arg197Leu]HKDIVRLESS

ClinVar aggregate classification (germline): Uncertain significance. Review status: criteria provided, multiple submitters, no conflicts (2 of 4 stars). 3 submissions from 3 submitters: Uncertain significance (3). Last evaluated 2025-09-28.

Conditions:
Inborn genetic diseases. Identifiers: MedGen C0950123, MeSH D030342.

Allele frequency attached by ClinVar (database versions not stated): ESP Exome Variant Server 0.00008.
gnomAD v4.1: 141 of 1,614,026 alleles (0.0087%); highest among the groups gnomAD compares: Non-Finnish European, 0.012%; no homozygotes.

Submissions (3):

Ambry Genetics
Classification: Uncertain significance for Inborn genetic diseases. Last evaluated: 2025-09-28. Review status: criteria provided, single submitter. Criteria: Ambry Variant Classification Scheme 2023. Collection method: clinical testing. Allele origin: germline.

Labcorp Genetics (formerly Invitae), Labcorp
Classification: Uncertain significance. Last evaluated: 2022-02-24. Review status: criteria provided, single submitter. Criteria: Invitae Variant Classification Sherloc (09022015). Collection method: clinical testing. Allele origin: germline.
Comment: This sequence change replaces arginine, which is basic and polar, with leucine, which is neutral and non-polar, at codon 197 of the STX3 protein (p.Arg197Leu). This variant is present in population databases (rs368588524, gnomAD 0.01%). This variant has not been reported in the literature in individuals affected with STX3-related conditions. Algorithms developed to predict the effect of missense changes on protein structure and function (SIFT, PolyPhen-2, Align-GVGD) all suggest that this variant is likely to be disruptive. In summary, the available evidence is currently insufficient to determine the role of this variant in disease. Therefore, it has been classified as a Variant of Uncertain Significance.

Breakthrough Genomics
Classification: Uncertain significance. Review status: criteria provided, single submitter. Criteria: ACMG Guidelines, 2015. Collection method: not provided. Allele origin: germline. Inheritance: Autosomal recessive inheritance. Affected: yes.